The following is an entry in ClinVar:

ClinVar aggregate classification (germline): Uncertain significance (1 of 4 stars; one submission).

Conditions:
Pancytopenia due to IKZF1 mutations. Also called: Immunodeficiency, common variable, 13. Identifiers: Orphanet 317473, MedGen C4225173, MONDO:0014810, OMIM 616873.

Allele frequency attached by ClinVar (database versions not stated): gnomAD 0.00001; gnomAD exomes 0.00001; ExAC 0.00002; 1000 Genomes Project 30x 0.00016; 1000 Genomes Project 0.00020.
gnomAD v4.1: 12 of 1,612,982 alleles (0.00074%); highest among the groups gnomAD compares: South Asian, 0.012%; no homozygotes.

Submission:

Neuberg Centre For Genomic Medicine, NCGM
Classification: Uncertain significance for Pancytopenia due to IKZF1 mutations. Review status: criteria provided, single submitter. Criteria: ACMG Guidelines, 2015. Collection method: clinical testing. Allele origin: germline. Inheritance: Autosomal dominant inheritance. Affected: yes.
Comment: The missense c.1288G>C (p.Glu430Gln) variant in the IKZF1 gene has not been reported previously as a pathogenic variant nor as a benign variant, to our knowledge. This variant is reported with the allele frequency (0.001%) in the gnomAD. The amino acid Glutamic acid at position 430 is changed to a Glutamine changing protein sequence and it might alter its composition and physico-chemical properties. The variant is predicted as damaging by SIFT. The amino acid change p.Glu430Gln in IKZF1 is predicted as conserved by GERP++ and PhyloP across 100 vertebrates. For these reasons, this variant has been classified as Uncertain Significance.

NM_006060.6(IKZF1):c.1288G>C (p.Glu430Gln)

Gene: IKZF1 (IKAROS family zinc finger 1; plus strand). Cytogenetic location: 7p12.2.
Variant type: single nucleotide variant.
Coding change: c.1288G>C on transcript NM_006060.6 (MANE Select); coding-DNA position 1288, G replaced by C.
Protein change: p.Glu430Gln; replaces glutamic acid 430 with glutamine.
Molecular consequence: missense variant.
Genome position (GRCh38, 1-based): chr7:50,400,355, G>C. VCF-style: chr7-50400355-G-C. GRCh37 (hg19) VCF-style: chr7-50468053-G-C.
Other names: c.1162G>C, p.Glu388Gln (NM_001220765.3, NM_001291837.2); c.997G>C, p.Glu333Gln (NM_001220767.2); c.1027G>C, p.Glu343Gln (NM_001220768.2, NM_001291838.2); c.871G>C, p.Glu291Gln (NM_001220770.2); c.859G>C, p.Glu287Gln (NM_001220771.2, NM_001291841.1); c.901G>C, p.Glu301Gln (NM_001291839.2); c.598G>C, p.Glu200Gln (NM_001291840.1); c.829G>C, p.Glu277Gln (NM_001291842.1); and 3 more; short protein forms E200Q, E235Q, E245Q, E277Q, E287Q, E291Q, E301Q, E333Q.
Identifiers: ClinVar variation 3242021 (VCV003242021.1), dbSNP rs529231990.
Genomic context (GRCh38, chr7:50,400,355, plus strand): 5'-GGTCTCATCTACCTGACCAACCACATCGCCCCGCACGCGCGCAACGGGCTGTCGCTCAAG[G>C]AGGAGCACCGCGCCTACGACCTGCTGCGCGCCGCCTCCGAGAACTCGCAGGACGCGCTCC-3'
Protein context (NP_006051.1, residues 420-440): PHARNGLSLK[Glu430Gln]EHRAYDLLRA